The following is an entry in ClinVar:

NC_000002.11:g.(?_219674280)_(219677492_?)del

Gene: CYP27A1 (cytochrome P450 family 27 subfamily A member 1; plus strand). Cytogenetic location: 2q35.
Variant type: Deletion.
Identifiers: ClinVar variation 3247144 (VCV003247144.1).

ClinVar aggregate classification (germline): Pathogenic (1 of 4 stars; one submission).

Conditions:
Cholestanol storage disease (CTX). Also called: CEREBRAL CHOLESTERINOSIS; CTX: Cerebrotendinous xanthomatosis; Cerebrotendinous Xanthomatosis. Identifiers: Orphanet 909, MedGen C0238052, MONDO:0008948, OMIM 213700.

Submission:

Labcorp Genetics (formerly Invitae), Labcorp
Classification: Pathogenic for Cholestanol storage disease. Last evaluated: 2023-11-03. Review status: criteria provided, single submitter. Criteria: Invitae Variant Classification Sherloc (09022015). Collection method: clinical testing. Allele origin: unknown.
Comment: This variant is a gross deletion of the genomic region encompassing exon(s) 2-4 of the CYP27A1 gene. This deletion is out-of-frame, and is expected to create a premature termination codon and result in an absent or disrupted protein product. Loss-of-function variants in CYP27A1 are known to be pathogenic (PMID: 9392430, 10775536, 26937392). This variant has not been reported in the literature in individuals affected with CYP27A1-related conditions. For these reasons, this variant has been classified as Pathogenic.

Literature cited by the submitters: PubMed 9392430; PubMed 10775536; PubMed 26937392.